The following is an entry in ClinVar:

NC_000003.12:g.169764921C>T

Genes: TERC (telomerase RNA component; minus strand), LOC110806306 (telomerase RNA component (TERC) promoter; plus strand). Cytogenetic location: 3q26.2.
Variant type: single nucleotide variant.
Genome position: GRCh38 VCF-style: chr3-169764921-C-T. GRCh37 (hg19) VCF-style: chr3-169482709-C-T.
Identifiers: ClinVar variation 534184 (VCV000534184.11), dbSNP rs1469879190, ClinGen allele CA436715661.

ClinVar aggregate classification (germline): Uncertain significance (1 of 4 stars; one submission).

Conditions:
Dyskeratosis congenita, autosomal dominant 1 (DKCA1). Also called: Dyskeratosis congenita Scoggins type. Identifiers: Orphanet 1775, MedGen C4551974, MONDO:0007485, OMIM 127550. Inheritance: Variable.

Allele frequency attached by ClinVar (database versions not stated): gnomAD 0.00001; gnomAD exomes 0.00001; TOPMed 0.00001.
gnomAD v4.1: 4 of 765,134 alleles (0.00052%); highest among the groups gnomAD compares: East Asian, 0.0097%; no homozygotes.

Submission:

Labcorp Genetics (formerly Invitae), Labcorp
Classification: Uncertain significance for Dyskeratosis congenita, autosomal dominant 1. Last evaluated: 2024-04-25. Review status: criteria provided, single submitter. Criteria: Invitae Variant Classification Sherloc (09022015). Collection method: clinical testing. Allele origin: germline.
Comment: This variant occurs in the TERC gene, which encodes an RNA molecule that does not result in a protein product. This variant is present in population databases (no rsID available, gnomAD 0.02%). This variant has not been reported in the literature in individuals affected with TERC-related conditions. ClinVar contains an entry for this variant (Variation ID: 534184). This variant is located within the template/pseudoknot domain of the TERC RNA component, which is required for RNA or RNP stability (PMID: 15082312, 21844345). This variant is located in a region of TERC in which a significant number of disease causing variants have been reported (PMID: 15082312, 21844345, 21931702). These observations suggest that this may be a clinically significant region. In summary, the available evidence is currently insufficient to determine the role of this variant in disease. Therefore, it has been classified as a Variant of Uncertain Significance.

Literature cited by the submitters: PubMed 15082312; PubMed 21844345; PubMed 21931702.